The following is an entry in ClinVar:

ClinVar aggregate classification (germline): Uncertain significance (0 of 4 stars; one submission).

Conditions:
SLC27A5-related disorder. Also called: SLC27A5-related condition.

Submission:

PreventionGenetics, part of Exact Sciences
Classification: Uncertain significance for SLC27A5-related condition. Last evaluated: 2024-06-16. Review status: no assertion criteria provided. Collection method: clinical testing. Allele origin: germline.
Comment: The SLC27A5 c.1846G>A variant is predicted to result in the amino acid substitution p.Val616Ile. To our knowledge, this variant has not been reported in the literature. This variant is reported in 0.022% of alleles in individuals of East Asian descent in gnomAD. At this time, the clinical significance of this variant is uncertain due to the absence of conclusive functional and genetic evidence.

NM_012254.3(SLC27A5):c.1846G>A (p.Val616Ile)

Gene: SLC27A5 (solute carrier family 27 member 5; minus strand). Cytogenetic location: 19q13.43.
Variant type: single nucleotide variant.
Coding change: c.1846G>A on transcript NM_012254.3 (MANE Select); coding-DNA position 1846, G replaced by A.
Protein change: p.Val616Ile; replaces valine 616 with isoleucine.
Molecular consequence: missense variant.
Genome position (GRCh38, 1-based): chr19:58,498,835, C>T on the plus strand (G>A on the coding strand, the complement: SLC27A5 is on the minus strand). VCF-style: chr19-58498835-C-T. GRCh37 (hg19) VCF-style: chr19-59010202-C-T.
Other names: c.1594G>A, p.Val532Ile (NM_001321196.2); short protein forms V532I, V616I.
Identifiers: ClinVar variation 3349213 (VCV003349213.1).